The following is an entry in ClinVar:

NM_173354.5(SIK1):c.2201T>C (p.Ile734Thr)

Gene: SIK1 (salt inducible kinase 1; minus strand). Cytogenetic location: 21q22.3.
Variant type: single nucleotide variant.
Coding change: c.2201T>C on transcript NM_173354.5 (MANE Select); coding-DNA position 2201, T replaced by C.
Protein change: p.Ile734Thr; replaces isoleucine 734 with threonine.
Molecular consequence: missense variant.
Genome position (GRCh38, 1-based): chr21:43,416,893, A>G on the plus strand (T>C on the coding strand, the complement: SIK1 is on the minus strand). VCF-style: chr21-43416893-A-G. GRCh37 (hg19) VCF-style: chr21-44836773-A-G.
Other names: short protein forms I734T.
Identifiers: ClinVar variation 1063659 (VCV001063659.12), dbSNP rs758936540, ClinGen allele CA321324351.

ClinVar aggregate classification (germline): Conflicting classifications of pathogenicity. Review status: criteria provided, conflicting classifications (1 of 4 stars). 2 submissions from 2 submitters: Uncertain significance (1); Likely benign (1). Last evaluated 2025-03-30.

Conditions:
Inborn genetic diseases. Identifiers: MedGen C0950123, MeSH D030342.
Developmental and epileptic encephalopathy, 30 (DEE30). Also called: Epileptic encephalopathy, early infantile, 30. Identifiers: MedGen C4225360, MONDO:0014595, OMIM 616341.

Allele frequency attached by ClinVar (database versions not stated): gnomAD exomes 0.00005; ExAC 0.00014.

Submissions (2):

Ambry Genetics
Classification: Likely benign for Inborn genetic diseases. Last evaluated: 2025-03-30. Review status: criteria provided, single submitter. Criteria: Ambry Variant Classification Scheme 2023. Collection method: clinical testing. Allele origin: germline.

Labcorp Genetics (formerly Invitae), Labcorp
Classification: Uncertain significance for Developmental and epileptic encephalopathy, 30. Last evaluated: 2020-11-03. Review status: criteria provided, single submitter. Criteria: Invitae Variant Classification Sherloc (09022015). Collection method: clinical testing. Allele origin: germline.
Comment: In summary, the available evidence is currently insufficient to determine the role of this variant in disease. Therefore, it has been classified as a Variant of Uncertain Significance. Algorithms developed to predict the effect of missense changes on protein structure and function are either unavailable or do not agree on the potential impact of this missense change (SIFT: "Tolerated"; PolyPhen-2: "Probably Damaging"; Align-GVGD: "Class C0"). This variant has not been reported in the literature in individuals with SIK1-related conditions. This variant is present in population databases (rs758936540, ExAC 0.05%). This sequence change replaces isoleucine with threonine at codon 734 of the SIK1 protein (p.Ile734Thr). The isoleucine residue is highly conserved and there is a moderate physicochemical difference between isoleucine and threonine.